The following is an entry in ClinVar:

ClinVar aggregate classification (germline): Conflicting classifications of pathogenicity. Review status: criteria provided, conflicting classifications (1 of 4 stars). 3 submissions from 3 submitters: Likely pathogenic (1); Uncertain significance (2). Last evaluated 2023-03-06.

Conditions:
Polycystic kidney disease, adult type (PKD1). Also called: Polycystic Kidney, Autosomal Dominant; POLYCYSTIC KIDNEY DISEASE, ADULT, TYPE I; Polycystic Kidney Disease 1, Autosomal Dominant; Polycystic kidney disease 1; Polycystic kidney disease 1, severe; POLYCYSTIC KIDNEY DISEASE 1 WITH OR WITHOUT POLYCYSTIC LIVER DISEASE. Identifiers: MedGen C3149841, MONDO:0008263, OMIM 173900.

Submissions (3):

GeneDx
Classification: Likely pathogenic. Last evaluated: 2023-03-06. Review status: criteria provided, single submitter. Criteria: GeneDx Variant Classification Process June 2021. Collection method: clinical testing. Allele origin: germline. Affected: yes.
Comment: Not observed at significant frequency in large population cohorts (gnomAD); In silico analysis supports that this missense variant has a deleterious effect on protein structure/function; This variant is associated with the following publications: (PMID: 31740684)

Fulgent Genetics
Classification: Uncertain significance for Polycystic kidney disease, adult type. Last evaluated: 2022-01-01. Review status: criteria provided, single submitter. Criteria: ACMG Guidelines, 2015. Collection method: clinical testing. Allele origin: unknown.

MVZ Martinsried, Medicover Genetics
Classification: Uncertain significance for Polycystic kidney disease, adult type. Last evaluated: 2021-06-17. Review status: criteria provided, single submitter. Criteria: ACGS Guidelines, 2020. Collection method: clinical testing. Allele origin: unknown. Affected: yes.

NM_001009944.3(PKD1):c.10772C>T (p.Ser3591Phe)

Genes: PKD1-AS1 (PKD1 antisense RNA 1; plus strand), PKD1 (polycystin 1, transient receptor potential channel interacting; minus strand). Cytogenetic location: 16p13.3.
Variant type: single nucleotide variant.
Coding change: c.10772C>T on transcript NM_001009944.3 (MANE Select); coding-DNA position 10772, C replaced by T.
Protein change: p.Ser3591Phe; replaces serine 3591 with phenylalanine.
Molecular consequence: missense variant.
Genome position (GRCh38, 1-based): chr16:2,093,860, G>A on the plus strand (C>T on the coding strand, the complement: PKD1 is on the minus strand). VCF-style: chr16-2093860-G-A. GRCh37 (hg19) VCF-style: chr16-2143861-G-A.
Other names: c.10772C>T (NM_001009944.2); c.10769C>T, p.Ser3590Phe (NM_000296.4); short protein forms S3590F, S3591F.
Identifiers: ClinVar variation 1330250 (VCV001330250.3), dbSNP rs2091723749, ClinGen allele CA394340010.